The following is an entry in ClinVar:

NM_001148.6(ANK2):c.5263T>A (p.Ser1755Thr)

Genes: ANK2 (ankyrin 2; plus strand), LOC126807136 (MED14-independent group 3 enhancer GRCh37_chr4:114274931-114276130; plus strand). Cytogenetic location: 4q26.
Variant type: single nucleotide variant.
Coding change: c.5263T>A on transcript NM_001148.6 (MANE Select); coding-DNA position 5263, T replaced by A.
Protein change: p.Ser1755Thr; replaces serine 1755 with threonine.
Molecular consequence: missense variant. On other transcripts: intron variant (68).
Genome position (GRCh38, 1-based): chr4:113,353,881, T>A. VCF-style: chr4-113353881-T-A. GRCh37 (hg19) VCF-style: chr4-114275037-T-A.
Other names: c.1954+3632T>A (NM_001354281.2, NM_001354278.2); c.826+3632T>A (NM_001386167.1); c.5029T>A, p.Ser1677Thr (NM_001386142.1); c.1663T>A, p.Ser555Thr (NM_001386166.1); c.5404T>A, p.Ser1802Thr (NM_001386174.1); c.5380T>A, p.Ser1794Thr (NM_001386175.1); c.4411+3632T>A (NM_001386186.2, NM_001386148.2); c.4213+3632T>A (NM_001354269.3); and 35 more; short protein forms S1677T, S1755T, S1794T, S1802T, S555T.
Identifiers: ClinVar variation 1806765 (VCV001806765.1), dbSNP rs2505324743, ClinGen allele CA357918493.

ClinVar aggregate classification (germline): Uncertain significance (1 of 4 stars; one submission).

Submission:

GeneDx
Classification: Uncertain significance. Last evaluated: 2022-06-21. Review status: criteria provided, single submitter. Criteria: GeneDx Variant Classification Process June 2021. Collection method: clinical testing. Allele origin: germline. Affected: yes.
Comment: Not observed at significant frequency in large population cohorts (gnomAD); In silico analysis supports that this missense variant does not alter protein structure/function; Has not been previously published as pathogenic or benign to our knowledge